The following is an entry in ClinVar:

NM_001006630.2(CHRM2):c.916A>C (p.Asn306His)

Genes: CHRM2 (cholinergic receptor muscarinic 2; plus strand), LOC349160 (uncharacterized LOC349160; minus strand). Cytogenetic location: 7q33.
Variant type: single nucleotide variant.
Coding change: c.916A>C on transcript NM_001006630.2 (MANE Select); coding-DNA position 916, A replaced by C.
Protein change: p.Asn306His; replaces asparagine 306 with histidine.
Molecular consequence: missense variant.
Genome position (GRCh38, 1-based): chr7:137,015,781, A>C. VCF-style: chr7-137015781-A-C. GRCh37 (hg19) VCF-style: chr7-136700528-A-C.
Other names: c.916A>C, p.Asn306His (NM_000739.3, NM_001006626.3, NM_001006627.3 and 6 more transcripts); short protein forms N306H.
Identifiers: ClinVar variation 2157612 (VCV002157612.4), dbSNP rs1469394554, ClinGen allele CA369487567.

ClinVar aggregate classification (germline): Uncertain significance (1 of 4 stars; one submission).

Allele frequency attached by ClinVar (database versions not stated): gnomAD exomes 0.00001; gnomAD 0.00005; TOPMed 0.00005.
gnomAD v4.1: 18 of 1,612,912 alleles (0.0011%); highest among the groups gnomAD compares: Admixed American, 0.027%; no homozygotes.

Submission:

Labcorp Genetics (formerly Invitae), Labcorp
Classification: Uncertain significance. Last evaluated: 2021-12-18. Review status: criteria provided, single submitter. Criteria: Invitae Variant Classification Sherloc (09022015). Collection method: clinical testing. Allele origin: germline.
Comment: This variant is present in population databases (no rsID available, gnomAD 0.006%). This variant has not been reported in the literature in individuals affected with CHRM2-related conditions. Algorithms developed to predict the effect of missense changes on protein structure and function (SIFT, PolyPhen-2, Align-GVGD) all suggest that this variant is likely to be tolerated. In summary, the available evidence is currently insufficient to determine the role of this variant in disease. Therefore, it has been classified as a Variant of Uncertain Significance. This sequence change replaces asparagine, which is neutral and polar, with histidine, which is basic and polar, at codon 306 of the CHRM2 protein (p.Asn306His).